The following is an entry in ClinVar:

ClinVar aggregate classification (germline): Pathogenic (1 of 4 stars; one submission).

Conditions:
Ehlers-Danlos syndrome, dermatosparaxis type. Also called: EDS VIIC; Dermatosparaxis; Ehlers-Danlos syndrome, type VII, autosomal recessive. Identifiers: Orphanet 1901, MedGen C2700425, MONDO:0009161, OMIM 225410.

Submission:

Myriad Genetics, Inc.
Classification: Pathogenic for Ehlers-Danlos syndrome, dermatosparaxis type. Last evaluated: 2024-05-14. Review status: criteria provided, single submitter. Criteria: Myriad Autosomal Dominant, Autosomal Recessive and X-Linked Classification Criteria (2023). Collection method: clinical testing. Allele origin: unknown.
Comment: NM_014244.4(ADAMTS2):c.132_133ins8(P45Tfs*123) is expected to be pathogenic in the context of Ehlers-Danlos syndrome, ADAMTS2-related. This variant is predicted to lead to an abnormal or absent protein product due to the creation of a premature termination codon in ADAMTS2, a gene where loss-of-function variants are known to be pathogenic. Please note: this variant was assessed in the context of healthy population screening.

NM_014244.5(ADAMTS2):c.132_133insACTCACAG (p.Pro45fs)

Gene: ADAMTS2 (ADAM metallopeptidase with thrombospondin type 1 motif 2; minus strand). Cytogenetic location: 5q35.3.
Variant type: Insertion.
Coding change: c.132_133insACTCACAG on transcript NM_014244.5 (MANE Select); coding-DNA positions 132 to 133, ACTCACAG inserted.
Protein change: p.Pro45fs; shifts the reading frame from proline 45.
Molecular consequence: frameshift variant.
Genome position: GRCh38 VCF-style: chr5-179345196-G-GCTGTGAGT. GRCh37 (hg19) VCF-style: chr5-178772197-G-GCTGTGAGT.
Other names: c.132_133insACTCACAG, p.Pro45fs (NM_021599.4); short protein forms P45fs.
Identifiers: ClinVar variation 5011017 (VCV005011017.1).